The following is an entry in ClinVar:

NM_006073.4(TRDN):c.1273+4T>C

Gene: TRDN (triadin; minus strand). Cytogenetic location: 6q22.31.
Variant type: single nucleotide variant.
Coding change: c.1273+4T>C on transcript NM_006073.4 (MANE Select); 4 bases into the intron after coding-DNA position 1273, T replaced by C.
Molecular consequence: intron variant.
Genome position (GRCh38, 1-based): chr6:123,375,601, A>G on the plus strand (T>C on the coding strand, the complement: TRDN is on the minus strand). VCF-style: chr6-123375601-A-G. GRCh37 (hg19) VCF-style: chr6-123696746-A-G.
Other names: c.1276+4T>C (NM_001251987.2); c.1273+4T>C (NM_006073.3).
Identifiers: ClinVar variation 1011192 (VCV001011192.11), dbSNP rs1261345499, ClinGen allele CA452054733.
Genomic context (GRCh38, chr6:123,375,601, plus strand): 5'-GCAGAAAATTCAAATGAGTAAGCTGCCCAAATATGCTCTTCTTTAAAAATTTTGTTCAAC[A>G]TACTTGCTTTTACTTGTTTGTCACTTGGAACTGTTAATGACAAGAAATAATAAGGTCAAC-3'

ClinVar aggregate classification (germline): Uncertain significance. Review status: criteria provided, multiple submitters, no conflicts (2 of 4 stars). 3 submissions from 3 submitters: Uncertain significance (3). Last evaluated 2025-07-28.

Conditions:
Cardiovascular phenotype. Identifiers: MedGen CN230736.
Catecholaminergic polymorphic ventricular tachycardia 1. Also called: VENTRICULAR TACHYCARDIA, STRESS-INDUCED POLYMORPHIC 1; VENTRICULAR TACHYCARDIA, CATECHOLAMINERGIC POLYMORPHIC, 1, WITH OR WITHOUT ATRIAL DYSFUNCTION AND/OR DILATED CARDIOMYOPATHY; RYR2-Related Catecholaminergic Polymorphic Ventricular Tachycardia. Identifiers: Orphanet 3286, MedGen C1631597, MONDO:0011484, OMIM 604772.

Allele frequency attached by ClinVar (database versions not stated): gnomAD exomes 0.00001; TOPMed 0.00003.
gnomAD v4.1: 67 of 1,534,838 alleles (0.0044%); highest among the groups gnomAD compares: Non-Finnish European, 0.0057%; no homozygotes.

Submissions (3):

Ambry Genetics
Classification: Uncertain significance for Cardiovascular phenotype. Last evaluated: 2025-07-28. Review status: criteria provided, single submitter. Criteria: Ambry Variant Classification Scheme 2023. Collection method: clinical testing. Allele origin: germline.
Comment: The c.1273+4T>C intronic variant results from a T to C substitution 4 nucleotides after coding exon 19 in the TRDN gene. This nucleotide position is well conserved in available vertebrate species. In silico splice site analysis for this alteration is inconclusive. Based on the available evidence, the clinical significance of this variant remains unclear.

Molecular Diagnostic Laboratory for Inherited Cardiovascular Disease, Montreal Heart Institute
Classification: Uncertain significance for Cardiovascular phenotype. Last evaluated: 2025-07-24. Review status: criteria provided, single submitter. Criteria: ACMG Guidelines, 2015. Collection method: clinical testing. Allele origin: germline. Affected: yes.
Comment: PM2

Labcorp Genetics (formerly Invitae), Labcorp
Classification: Uncertain significance for Catecholaminergic polymorphic ventricular tachycardia 1. Last evaluated: 2021-08-30. Review status: criteria provided, single submitter. Criteria: Invitae Variant Classification Sherloc (09022015). Collection method: clinical testing. Allele origin: germline.
Comment: This sequence change falls in intron 19 of the TRDN gene. It does not directly change the encoded amino acid sequence of the TRDN protein. It affects a nucleotide within the consensus splice site of the intron. This variant is not present in population databases (ExAC no frequency). This variant has not been reported in the literature in individuals affected with TRDN-related conditions. Variants that disrupt the consensus splice site are a relatively common cause of aberrant splicing (PMID: 17576681, 9536098). Algorithms developed to predict the effect of sequence changes on RNA splicing suggest that this variant is not likely to affect RNA splicing. In summary, the available evidence is currently insufficient to determine the role of this variant in disease. Therefore, it has been classified as a Variant of Uncertain Significance.

Literature cited by the submitters: PubMed 17576681 (cited by Labcorp Genetics (formerly Invitae), Labcorp); PubMed 9536098 (cited by Labcorp Genetics (formerly Invitae), Labcorp).